The following is an entry in ClinVar:

NM_012144.4(DNAI1):c.646C>T (p.Pro216Ser)

Gene: DNAI1 (dynein axonemal intermediate chain 1; plus strand). Cytogenetic location: 9p13.3.
Variant type: single nucleotide variant.
Coding change: c.646C>T on transcript NM_012144.4 (MANE Select); coding-DNA position 646, C replaced by T.
Protein change: p.Pro216Ser; replaces proline 216 with serine.
Molecular consequence: missense variant.
Genome position (GRCh38, 1-based): chr9:34,491,519, C>T. VCF-style: chr9-34491519-C-T. GRCh37 (hg19) VCF-style: chr9-34491517-C-T.
Other names: c.658C>T, p.Pro220Ser (NM_001281428.2); short protein forms P216S, P220S.
Identifiers: ClinVar variation 947200 (VCV000947200.10), dbSNP rs1824592383, ClinGen allele CA373248648.
Genomic context (GRCh38, chr9:34,491,519, plus strand): 5'-GGCTTTTTGTGGGTCTCCTGTTGTCTTGTTCTTTAGGATCGAGAATGCCAGACGGAGCCT[C>T]CTCCCAGGACAAACTTTTCAGCCACAGCCAATCAGGTAAGACCCTGGGCCAGCCTGAAAC-3'
Protein context (NP_036276.1, residues 206-226): VRDRECQTEP[Pro216Ser]PRTNFSATAN

ClinVar aggregate classification (germline): Uncertain significance (1 of 4 stars; one submission).

Conditions:
Primary ciliary dyskinesia. Also called: Ciliary dyskinesia. Identifiers: Orphanet 244, MedGen C0008780, MONDO:0016575, HP:0012265.

Allele frequency attached by ClinVar (database versions not stated): gnomAD exomes below 0.00001.

Submission:

Labcorp Genetics (formerly Invitae), Labcorp
Classification: Uncertain significance for Primary ciliary dyskinesia. Last evaluated: 2019-09-30. Review status: criteria provided, single submitter. Criteria: Invitae Variant Classification Sherloc (09022015). Collection method: clinical testing. Allele origin: germline.
Comment: In summary, the available evidence is currently insufficient to determine the role of this variant in disease. Therefore, it has been classified as a Variant of Uncertain Significance. Algorithms developed to predict the effect of missense changes on protein structure and function are either unavailable or do not agree on the potential impact of this missense change (SIFT: "Tolerated"; PolyPhen-2: "Probably Damaging"; Align-GVGD: "Class C0"). This variant has not been reported in the literature in individuals with DNAI1-related conditions. This variant is not present in population databases (ExAC no frequency). This sequence change replaces proline with serine at codon 216 of the DNAI1 protein (p.Pro216Ser). The proline residue is moderately conserved and there is a moderate physicochemical difference between proline and serine.